The following is an entry in ClinVar:

NM_005902.4(SMAD3):c.206+184A>G

Gene: SMAD3 (SMAD family member 3; plus strand). Cytogenetic location: 15q22.33.
Variant type: single nucleotide variant.
Coding change: c.206+184A>G on transcript NM_005902.4 (MANE Select); 184 bases into the intron after coding-DNA position 206, A replaced by G.
Molecular consequence: intron variant.
Genome position (GRCh38, 1-based): chr15:67,066,544, A>G. VCF-style: chr15-67066544-A-G. GRCh37 (hg19) VCF-style: chr15-67358882-A-G.
Identifiers: ClinVar variation 674631 (VCV000674631.1), dbSNP rs557761351, ClinGen allele CA14172071.
Genomic context (GRCh38, chr15:67,066,544, plus strand): 5'-TGCGTGTGTGTGAGAGTGGGAGAGCGCGGGCAGGAAGGGGGTGGGGGGACCCCAAACAAA[A>G]CCATCTCTGATTTGCAAAGATCAGAGCCCGAGGCTTCCACGCGGCACTCTGGCTTCCACA-3'

ClinVar aggregate classification (germline): Likely benign (1 of 4 stars; one submission).

Allele frequency attached by ClinVar (database versions not stated): 1000 Genomes Project 0.00140; 1000 Genomes Project 30x 0.00187; TOPMed 0.00388; gnomAD 0.00448 and 0.00456.
gnomAD v4.1: 673 of 152,268 alleles (0.44%); highest among the groups gnomAD compares: Non-Finnish European, 0.8%; 4 homozygotes.

Submission:

GeneDx
Classification: Likely benign. Last evaluated: 2018-06-14. Review status: criteria provided, single submitter. Criteria: GeneDx Variant Classification (06012015). Collection method: clinical testing. Allele origin: germline. Affected: yes.
Comment: This variant is considered likely benign or benign based on one or more of the following criteria: it is a conservative change, it occurs at a poorly conserved position in the protein, it is predicted to be benign by multiple in silico algorithms, and/or has population frequency not consistent with disease.